The following is an entry in ClinVar:

ClinVar aggregate classification (germline): Likely pathogenic (1 of 4 stars; one submission).

Conditions:
Early-infantile DEE. Also called: Early infantile epileptic encephalopathy; Ohtahara syndrome; Early infantile epileptic encephalopathy with suppression bursts. Identifiers: Orphanet 1934, MedGen C0393706, MONDO:0800491.

Submission:

Labcorp Genetics (formerly Invitae), Labcorp
Classification: Likely pathogenic for Early-infantile DEE. Last evaluated: 2024-08-12. Review status: criteria provided, single submitter. Criteria: Invitae Variant Classification Sherloc (09022015). Collection method: clinical testing. Allele origin: germline.
Comment: This variant, c.543_545del, results in the deletion of 1 amino acid(s) of the SCN1A protein (p.Glu181del), but otherwise preserves the integrity of the reading frame. This variant is not present in population databases (gnomAD no frequency). This variant has been observed in individual(s) with Dravet syndrome (PMID: 31765958). In at least one individual the variant was observed to be de novo. Algorithms developed to predict the effect of sequence changes on RNA splicing suggest that this variant may disrupt the consensus splice site. In summary, the currently available evidence indicates that the variant is pathogenic, but additional data are needed to prove that conclusively. Therefore, this variant has been classified as Likely Pathogenic.

Literature cited by the submitters: PubMed 31765958.

NM_001165963.4(SCN1A):c.540AGA[1] (p.Glu181del)

Gene: SCN1A (sodium voltage-gated channel alpha subunit 1; minus strand). Cytogenetic location: 2q24.3.
Variant type: Microsatellite.
Coding change: c.540AGA[1] on transcript NM_001165963.4 (MANE Select); one copy of the 3-base unit AGA starting at c.540; the reference has two copies in a row; one copy, 3 bases deleted.
Protein change: p.Glu181del; deletes glutamic acid 181.
Molecular consequence: inframe deletion. On other transcripts: 5 prime UTR variant (1), non-coding transcript variant (1).
Genome position (GRCh38, 1-based): chr2:166,054,695-166,054,697, TCT deleted on the plus strand (AGA on the coding strand, the reverse complement: SCN1A is on the minus strand); deleting any 3 consecutive bases within chr2:166,054,695-166,054,700 gives the same sequence; the position shown is the placement nearest the transcript's 3' end. VCF-style (leftmost placement, unchanged base first): chr2-166054694-ATCT-A. GRCh37 (hg19) VCF-style: chr2-166911204-ATCT-A.
Other names: c.540AGA[1], p.Glu181del (NM_001165964.3, NM_001202435.3, NM_001353948.2 and 10 more transcripts); c.-1886AGA[1] (NM_001353961.2); short protein forms E181del.
Identifiers: ClinVar variation 3609119 (VCV003609119.2).